The following is an entry in ClinVar:

NM_020693.4(DSCAML1):c.2324C>G (p.Thr775Ser)

Gene: DSCAML1 (DS cell adhesion molecule like 1; minus strand). Cytogenetic location: 11q23.3.
Variant type: single nucleotide variant.
Coding change: c.2324C>G on transcript NM_020693.4 (MANE Select); coding-DNA position 2324, C replaced by G.
Protein change: p.Thr775Ser; replaces threonine 775 with serine.
Molecular consequence: missense variant.
Genome position (GRCh38, 1-based): chr11:117,503,880, G>C on the plus strand (C>G on the coding strand, the complement: DSCAML1 is on the minus strand). VCF-style: chr11-117503880-G-C. GRCh37 (hg19) VCF-style: chr11-117374595-G-C.
Other names: c.2324C>G, p.Thr775Ser (NM_001367904.1); short protein forms T775S.
Identifiers: ClinVar variation 4736083 (VCV004736083.1).

ClinVar aggregate classification (germline): Uncertain significance (1 of 4 stars; one submission).

Submission:

Labcorp Genetics (formerly Invitae), Labcorp
Classification: Uncertain significance. Last evaluated: 2026-01-24. Review status: criteria provided, single submitter. Criteria: Invitae Variant Classification Sherloc (09022015). Collection method: clinical testing. Allele origin: germline.
Comment: This sequence change replaces threonine, which is neutral and polar, with serine, which is neutral and polar, at codon 835 of the DSCAML1 protein (p.Thr835Ser). This variant is not present in population databases (gnomAD no frequency). This variant has not been reported in the literature in individuals affected with DSCAML1-related conditions. An algorithm developed to predict the effect of missense changes on protein structure and function (PolyPhen-2) suggests that this variant is likely to be tolerated. In summary, the available evidence is currently insufficient to determine the role of this variant in disease. Therefore, it has been classified as a Variant of Uncertain Significance.